The following is an entry in ClinVar:

NM_004304.5(ALK):c.46A>G (p.Thr16Ala)

Gene: ALK (ALK receptor tyrosine kinase; minus strand). Cytogenetic location: 2p23.1.
Variant type: single nucleotide variant.
Coding change: c.46A>G on transcript NM_004304.5 (MANE Select); coding-DNA position 46, A replaced by G.
Protein change: p.Thr16Ala; replaces threonine 16 with alanine.
Molecular consequence: missense variant.
Genome position (GRCh38, 1-based): chr2:29,920,614, T>C on the plus strand (A>G on the coding strand, the complement: ALK is on the minus strand). VCF-style: chr2-29920614-T-C. GRCh37 (hg19) VCF-style: chr2-30143480-T-C.
Other names: short protein forms T16A.
Identifiers: ClinVar variation 953108 (VCV000953108.12), dbSNP rs1572504096, ClinGen allele CA346590792.

ClinVar aggregate classification (germline): Conflicting classifications of pathogenicity. Review status: criteria provided, conflicting classifications (1 of 4 stars). 2 submissions from 2 submitters: Uncertain significance (1); Likely benign (1). Last evaluated 2026-01-11.

Conditions:
Neuroblastoma, susceptibility to, 3. Also called: ALK-Related Neuroblastic Tumor Susceptibility. Identifiers: Orphanet 635, MedGen C2751681, MONDO:0013083, OMIM 613014.
Hereditary cancer-predisposing syndrome. Also called: Hereditary neoplastic syndrome; Tumor predisposition; Neoplastic Syndromes, Hereditary; Hereditary Cancer Syndrome. Identifiers: Orphanet 140162, MedGen C0027672, MeSH D009386, MONDO:0015356.

Submissions (2):

Labcorp Genetics (formerly Invitae), Labcorp
Classification: Uncertain significance for Neuroblastoma, susceptibility to, 3. Last evaluated: 2026-01-11. Review status: criteria provided, single submitter. Criteria: Invitae Variant Classification Sherloc (09022015). Collection method: clinical testing. Allele origin: germline.
Comment: This sequence change replaces threonine, which is neutral and polar, with alanine, which is neutral and non-polar, at codon 16 of the ALK protein (p.Thr16Ala). This variant is not present in population databases (gnomAD no frequency). This variant has not been reported in the literature in individuals affected with ALK-related conditions. ClinVar contains an entry for this variant (Variation ID: 953108). An algorithm developed to predict the effect of missense changes on protein structure and function outputs the following: PolyPhen-2: "Benign". The alanine amino acid residue is found in multiple mammalian species, which suggests that this missense change does not adversely affect protein function. In summary, the available evidence is currently insufficient to determine the role of this variant in disease. Therefore, it has been classified as a Variant of Uncertain Significance.

Ambry Genetics
Classification: Likely benign for Hereditary cancer-predisposing syndrome. Last evaluated: 2022-06-30. Review status: criteria provided, single submitter. Criteria: Ambry Variant Classification Scheme 2023. Collection method: clinical testing. Allele origin: germline.